The following is an entry in ClinVar:

ClinVar aggregate classification (germline): Uncertain significance. Review status: criteria provided, multiple submitters, no conflicts (2 of 4 stars). 2 submissions from 2 submitters: Uncertain significance (2). Last evaluated 2024-02-03.

Conditions:
DYRK1A-related intellectual disability syndrome (MRD7). Also called: DYRK1A Syndrome; Intellectual developmental disorder, autosomal dominant 7. Identifiers: Orphanet 464306, MedGen C5568143, MONDO:0013578, OMIM 614104.

Submissions (2):

Labcorp Genetics (formerly Invitae), Labcorp
Classification: Uncertain significance for DYRK1A-related intellectual disability syndrome. Last evaluated: 2024-02-03. Review status: criteria provided, single submitter. Criteria: Invitae Variant Classification Sherloc (09022015). Collection method: clinical testing. Allele origin: germline.
Comment: This sequence change replaces glycine, which is neutral and non-polar, with glutamic acid, which is acidic and polar, at codon 411 of the DYRK1A protein (p.Gly411Glu). This variant is not present in population databases (gnomAD no frequency). This variant has not been reported in the literature in individuals affected with DYRK1A-related conditions. ClinVar contains an entry for this variant (Variation ID: 429557). Advanced modeling of protein sequence and biophysical properties (such as structural, functional, and spatial information, amino acid conservation, physicochemical variation, residue mobility, and thermodynamic stability) performed at Invitae indicates that this missense variant is not expected to disrupt DYRK1A protein function with a negative predictive value of 80%. In summary, the available evidence is currently insufficient to determine the role of this variant in disease. Therefore, it has been classified as a Variant of Uncertain Significance.

GeneDx
Classification: Uncertain significance. Last evaluated: 2017-05-11. Review status: criteria provided, single submitter. Criteria: GeneDx Variant Classification (06012015). Collection method: clinical testing. Allele origin: germline. Affected: yes.
Comment: The G411E variant in the DYRK1A gene has not been reported previously as a pathogenic variant, nor as a benign variant, to our knowledge. The G411E variant is not observed in large population cohorts (Lek et al., 2016; 1000 Genomes Consortium et al., 2015; Exome Variant Server). The G411E variant is a non-conservative amino acid substitution, which is likely to impact secondary protein structure as these residues differ in polarity, charge, size and/or other properties. This substitution occurs at a position that is conserved across species. In silico analysis predicts this variant is probably damaging to the protein structure/function. We interpret G411E as a variant of uncertain significance.

NM_001347721.2(DYRK1A):c.1205G>A (p.Gly402Glu)

Gene: DYRK1A (dual specificity tyrosine phosphorylation regulated kinase 1A; plus strand). Cytogenetic location: 21q22.13.
Variant type: single nucleotide variant.
Coding change: c.1205G>A on transcript NM_001347721.2 (MANE Select); coding-DNA position 1205, G replaced by A.
Protein change: p.Gly402Glu; replaces glycine 402 with glutamic acid.
Molecular consequence: missense variant.
Genome position (GRCh38, 1-based): chr21:37,496,251, G>A. VCF-style: chr21-37496251-G-A. GRCh37 (hg19) VCF-style: chr21-38868553-G-A.
Other names: c.1205G>A, p.Gly402Glu (NM_001347722.2, NM_130436.2); c.1118G>A, p.Gly373Glu (NM_001347723.2); c.1232G>A, p.Gly411Glu (NM_001396.5, NM_101395.2, NM_130438.2); short protein forms G411E, G373E, G402E.
Identifiers: ClinVar variation 429557 (VCV000429557.4), dbSNP rs1131691453, ClinGen allele CA409937203.